The following is an entry in ClinVar:

ClinVar aggregate classification (germline): Pathogenic/Likely pathogenic. Review status: criteria provided, multiple submitters, no conflicts (2 of 4 stars). 5 submissions from 4 submitters: Pathogenic (1); Likely pathogenic (2). 2 of the submissions do not count toward it. Last evaluated 2024-11-07.
ClinVar aggregate classification (somatic clinical impact): Tier I - Strong (1 of 4 stars; one submission).

Conditions:
Cutaneous mastocytosis. Also called: MASTOCYTOSIS, MACULOPAPULAR CUTANEOUS. Identifiers: Orphanet 66646, MedGen C1136033, MONDO:0019023, OMIM 154800, HP:0200151.
Hereditary cancer-predisposing syndrome. Also called: Neoplastic Syndromes, Hereditary; Tumor predisposition; Hereditary neoplastic syndrome; Hereditary Cancer Syndrome. Identifiers: Orphanet 140162, MedGen C0027672, MeSH D009386, MONDO:0015356.
Gastrointestinal stromal tumor. Also called: Gastrointestinal stromal tumor, somatic; Gastrointestinal stroma tumor. Identifiers: Orphanet 44890, MedGen C0238198, MeSH D046152, MONDO:0011719, OMIM 606764, HP:0100723.
Gastrointestinal stromal tumor, familial. Identifiers: MedGen C2674636.
Germinoma. Also called: Germinoma (disease). Identifiers: MedGen C0206660, MONDO:0002598, HP:0100620.

Allele frequency attached by ClinVar (database versions not stated): gnomAD exomes below 0.00001.
gnomAD v4.1: 1 of 1,614,080 alleles (0.000062%); highest among the groups gnomAD compares: Non-Finnish European, 0.000085%; no homozygotes.

Submissions (6):

Labcorp Genetics (formerly Invitae), Labcorp
Classification: Pathogenic for Gastrointestinal stromal tumor. Last evaluated: 2024-11-07. Review status: criteria provided, single submitter. Criteria: Invitae Variant Classification Sherloc (09022015). Collection method: clinical testing. Allele origin: germline.
Comment: This sequence change replaces valine, which is neutral and non-polar, with alanine, which is neutral and non-polar, at codon 559 of the KIT protein (p.Val559Ala). This variant is not present in population databases (gnomAD no frequency). This missense change has been observed in individuals with gastrointestinal stromal tumor syndrome (PMID: 11208730, 15837988, 24847623). It has also been observed to segregate with disease in related individuals. ClinVar contains an entry for this variant (Variation ID: 13865). An algorithm developed to predict the effect of missense changes on protein structure and function (PolyPhen-2) suggests that this variant is likely to be disruptive. For these reasons, this variant has been classified as Pathogenic.

Ambry Genetics
Classification: Likely pathogenic for Hereditary cancer-predisposing syndrome. Last evaluated: 2024-09-11. Review status: criteria provided, single submitter. Criteria: Ambry Variant Classification Scheme 2023. Collection method: clinical testing. Allele origin: germline.
Comment: The p.V559A variant (also known as c.1676T>C), located in coding exon 11 of the KIT gene, results from a T to C substitution at nucleotide position 1676. The valine at codon 559 is replaced by alanine, an amino acid with similar properties. This variant was reported in multiple individuals with features consistent with KIT-related gastrointestinal stromal tumor syndrome (Ambry internal data; Beghini A et al. Cancer, 2001 Aug;92:657-62; Maeyama H et al. Gastroenterology, 2001 Jan;120:210-5; Li FP et al. J Clin Oncol, 2005 Apr;23:2735-43; Adela Avila S et al. Acta Gastroenterol Latinoam, 2014 Mar;44:9-15; Gupta D et al. Int J Dermatol, 2017 Feb;56:195-201). This amino acid position is highly conserved in available vertebrate species. In addition, this alteration is predicted to be deleterious by in silico analysis. This variant is considered to be rare based on population cohorts in the Genome Aggregation Database (gnomAD). Based on the majority of available evidence to date, this variant is likely to be pathogenic.

GeneDx
Classification: Likely pathogenic. Last evaluated: 2024-05-22. Review status: criteria provided, single submitter. Criteria: GeneDx Variant Classification Process June 2021. Collection method: clinical testing. Allele origin: germline. Affected: yes.
Comment: Not observed at significant frequency in large population cohorts (gnomAD); In silico analysis supports that this missense variant has a deleterious effect on protein structure/function; This variant is associated with the following publications: (PMID: 24847623, 28074523, 24755198, 27437068, 12960119, 16908931, 18980976, 7530509, 15790786, 16731599, 19812602, 20736294, 21159146, 22357254, 11276010, 17372901, 25157968, 32782703, 9438854, 32716058, 25746950, 23776354, 17255767, 11505412, 16185297, 20952281, 15837988, 11208730)

Institute for Genomic Medicine (IGM) Clinical Laboratory, Nationwide Children's Hospital
Classification: Tier I - Strong for Germinoma. Assertion type: diagnostic. Clinical significance: supports diagnosis. Last evaluated: 2024-02-26. Review status: criteria provided, single submitter. Criteria: AMP/ASCO/CAP Guidelines, 2017. Collection method: clinical testing. Allele origin: somatic. Affected: yes.
Comment: Variant has Tier I (strong) clinical significance as a diagnostic inclusion criterion in germinoma, based on the following evidence: 1) Documented in one or more cancer databases (e.g., St. Jude Pecan, COSMIC, CIViC, OncoKB). 2) Appears in one or more well-established professional guidelines (e.g., World Health Organization [WHO]; National Comprehensive Cancer Network [NCCN]) as providing diagnostic, prognostic, or therapeutic information. 3) Information in the literature supports potential biologic effect of variant (PMID: 9438854). 4) Diagnostic for a specific tumor type/classification based on well-powered studies with expert-level consensus (Evidence Level B; PMIDs: 24452629, 24896186, 27391150, 32999426, 32721511).

OMIM
Classification: Pathogenic for GASTROINTESTINAL STROMAL TUMOR, FAMILIAL. Last evaluated: 2001-08-01. Review status: no assertion criteria provided. Collection method: literature only. Allele origin: germline. Not counted in ClinVar's aggregate classification.

OMIM
Classification: Pathogenic for MASTOCYTOSIS, CUTANEOUS. Last evaluated: 2001-08-01. Review status: no assertion criteria provided. Collection method: literature only. Allele origin: germline. Not counted in ClinVar's aggregate classification.

Literature cited by the submitters: PubMed 11208730 (cited by Labcorp Genetics (formerly Invitae), Labcorp and Ambry Genetics); PubMed 15837988 (cited by Labcorp Genetics (formerly Invitae), Labcorp and Ambry Genetics); PubMed 24847623 (cited by Labcorp Genetics (formerly Invitae), Labcorp and Ambry Genetics); PubMed 11505412 (cited by Ambry Genetics and OMIM); PubMed 28074523 (cited by Ambry Genetics); PubMed 9438854 (cited by Institute for Genomic Medicine (IGM) Clinical Laboratory, Nationwide Children's Hospital); PubMed 24452629 (cited by Institute for Genomic Medicine (IGM) Clinical Laboratory, Nationwide Children's Hospital); PubMed 24896186 (cited by Institute for Genomic Medicine (IGM) Clinical Laboratory, Nationwide Children's Hospital); PubMed 27391150 (cited by Institute for Genomic Medicine (IGM) Clinical Laboratory, Nationwide Children's Hospital); PubMed 32999426 (cited by Institute for Genomic Medicine (IGM) Clinical Laboratory, Nationwide Children's Hospital); PubMed 32721511 (cited by Institute for Genomic Medicine (IGM) Clinical Laboratory, Nationwide Children's Hospital).

NM_000222.3(KIT):c.1676T>C (p.Val559Ala)

Gene: KIT (KIT proto-oncogene, receptor tyrosine kinase; plus strand). Cytogenetic location: 4q12.
Variant type: single nucleotide variant.
Coding change: c.1676T>C on transcript NM_000222.3 (MANE Select); coding-DNA position 1676, T replaced by C.
Protein change: p.Val559Ala; replaces valine 559 with alanine.
Molecular consequence: missense variant.
Genome position (GRCh38, 1-based): chr4:54,727,444, T>C. VCF-style: chr4-54727444-T-C. GRCh37 (hg19) VCF-style: chr4-55593610-T-C.
Other names: c.1664T>C, p.Val555Ala (NM_001093772.2, NM_001385286.1); c.1679T>C, p.Val560Ala (NM_001385284.1, NM_001385290.1); c.1676T>C, p.Val559Ala (NM_001385285.1); c.1667T>C, p.Val556Ala (NM_001385288.1, NM_001385292.1); c.1676T>C (NM_000222.2); short protein forms V559A, V555A, V556A, V560A.
Identifiers: ClinVar variation 13865 (VCV000013865.6), dbSNP rs121913517, ClinGen allele CA123545.
Genomic context (GRCh38, chr4:54,727,444, plus strand): 5'-AAGGTGATCTATTTTTCCCTTTCTCCCCACAGAAACCCATGTATGAAGTACAGTGGAAGG[T>C]TGTTGAGGAGATAAATGGAAACAATTATGTTTACATAGACCCAACACAACTTCCTTATGA-3'
Protein context (NP_000213.1, residues 549-569): QKPMYEVQWK[Val559Ala]VEEINGNNYV